The following is an entry in ClinVar:

NM_001048174.2(MUTYH):c.264+5del

Gene: MUTYH (mutY DNA glycosylase; minus strand). Cytogenetic location: 1p34.1.
Variant type: Deletion.
Coding change: c.264+5del on transcript NM_001048174.2 (MANE Select); 5 bases into the intron after coding-DNA position 264, one base deleted (G; older notation c.264+5delG).
Molecular consequence: intron variant.
Genome position (GRCh38, 1-based): chr1:45,333,408, C deleted on the plus strand (G on the coding strand, the reverse complement: MUTYH is on the minus strand); the first of 2 consecutive C bases (chr1:45,333,408-45,333,409); deleting either gives the same sequence. VCF-style (leftmost placement, unchanged base first): chr1-45333407-GC-G. GRCh37 (hg19) VCF-style: chr1-45799079-GC-G.
Other names: c.-8+5del (NM_001350651.2, NM_001350650.2); c.-13+5del (NM_001293192.2, NM_001293196.2); c.264+5del (NM_001048171.2, NM_001048173.2, NM_001293195.2); c.309+5del (NM_001293190.2); c.339+5del (NM_012222.3); c.348+5del (NM_001128425.2); c.267+5del (NM_001048172.2); c.297+5del (NM_001293191.2).
Identifiers: ClinVar variation 1021296 (VCV001021296.6), dbSNP rs1645340004, ClinGen allele CA2473713222.

ClinVar aggregate classification (germline): Uncertain significance (1 of 4 stars; one submission).

Conditions:
Familial adenomatous polyposis 2. Also called: COLORECTAL ADENOMATOUS POLYPOSIS, AUTOSOMAL RECESSIVE; ADENOMAS, MULTIPLE COLORECTAL, AUTOSOMAL RECESSIVE; Adenomas, multiple colorectal; FAP type 2; MUTYH Polyposis; MUTYH-associated polyposis. Identifiers: Orphanet 220460, Orphanet 247798, MedGen C3272841, MONDO:0012041, OMIM 608456.

Submission:

Labcorp Genetics (formerly Invitae), Labcorp
Classification: Uncertain significance for Familial adenomatous polyposis 2. Last evaluated: 2020-08-03. Review status: criteria provided, single submitter. Criteria: Invitae Variant Classification Sherloc (09022015). Collection method: clinical testing. Allele origin: germline.
Comment: In summary, the available evidence is currently insufficient to determine the role of this variant in disease. Therefore, it has been classified as a Variant of Uncertain Significance. Nucleotide substitutions within the consensus splice site are a relatively common cause of aberrant splicing (PMID: 17576681, 9536098). Algorithms developed to predict the effect of sequence changes on RNA splicing suggest that this variant may disrupt the consensus splice site, but this prediction has not been confirmed by published transcriptional studies. This variant has not been reported in the literature in individuals with MUTYH-related conditions. This variant is not present in population databases (ExAC no frequency). This sequence change falls in intron 3 of the MUTYH gene. It does not directly change the encoded amino acid sequence of the MUTYH protein, but it affects a nucleotide within the consensus splice site of the intron.

Literature cited by the submitters: PubMed 17576681; PubMed 9536098.